The following is an entry in ClinVar:

ClinVar aggregate classification (germline): Uncertain significance (1 of 4 stars; one submission).

Submission:

Labcorp Genetics (formerly Invitae), Labcorp
Classification: Uncertain significance. Last evaluated: 2025-11-11. Review status: criteria provided, single submitter. Criteria: Invitae Variant Classification Sherloc (09022015). Collection method: clinical testing. Allele origin: germline.
Comment: This sequence change replaces glycine, which is neutral and non-polar, with aspartic acid, which is acidic and polar, at codon 1421 of the TOP2B protein (p.Gly1421Asp). The frequency data for this variant in the population databases is considered unreliable, as metrics indicate poor data quality at this position in the gnomAD database. This variant has not been reported in the literature in individuals affected with TOP2B-related conditions. An algorithm developed to predict the effect of missense changes on protein structure and function (PolyPhen-2) suggests that this variant is likely to be tolerated. In summary, the available evidence is currently insufficient to determine the role of this variant in disease. Therefore, it has been classified as a Variant of Uncertain Significance.

NM_001330700.2(TOP2B):c.4277G>A (p.Gly1426Asp)

Gene: TOP2B (DNA topoisomerase II beta; minus strand). Cytogenetic location: 3p24.2.
Variant type: single nucleotide variant.
Coding change: c.4277G>A on transcript NM_001330700.2 (MANE Select); coding-DNA position 4277, G replaced by A.
Protein change: p.Gly1426Asp; replaces glycine 1426 with aspartic acid.
Molecular consequence: missense variant.
Genome position (GRCh38, 1-based): chr3:25,607,192, C>T on the plus strand (G>A on the coding strand, the complement: TOP2B is on the minus strand). VCF-style: chr3-25607192-C-T. GRCh37 (hg19) VCF-style: chr3-25648683-C-T.
Other names: c.4262G>A, p.Gly1421Asp (NM_001068.3); short protein forms G1421D, G1426D.
Identifiers: ClinVar variation 4730959 (VCV004730959.1).